The following is an entry in ClinVar:

NM_004380.3(CREBBP):c.6988C>G (p.Leu2330Val)

Gene: CREBBP (CREB binding lysine acetyltransferase; minus strand). Cytogenetic location: 16p13.3.
Variant type: single nucleotide variant.
Coding change: c.6988C>G on transcript NM_004380.3 (MANE Select); coding-DNA position 6988, C replaced by G.
Protein change: p.Leu2330Val; replaces leucine 2330 with valine.
Molecular consequence: missense variant.
Genome position (GRCh38, 1-based): chr16:3,728,059, G>C on the plus strand (C>G on the coding strand, the complement: CREBBP is on the minus strand). VCF-style: chr16-3728059-G-C. GRCh37 (hg19) VCF-style: chr16-3778060-G-C.
Other names: c.6874C>G, p.Leu2292Val (NM_001079846.1); c.6988C>G (NM_004380.2); short protein forms L2292V, L2330V.
Identifiers: ClinVar variation 3233520 (VCV003233520.3), dbSNP rs1064796531, ClinGen allele CA394550927.

ClinVar aggregate classification (germline): Uncertain significance. Review status: criteria provided, multiple submitters, no conflicts (2 of 4 stars). 2 submissions from 2 submitters: Uncertain significance (2). Last evaluated 2025-03-17.

Submissions (2):

GeneDx
Classification: Uncertain significance. Last evaluated: 2025-03-17. Review status: criteria provided, single submitter. Criteria: GeneDx Variant Classification Process June 2021. Collection method: clinical testing. Allele origin: germline. Affected: yes.
Comment: Not observed at significant frequency in large population cohorts (gnomAD); In silico analysis indicates that this missense variant does not alter protein structure/function; Has not been previously published as pathogenic or benign to our knowledge

Women's Health and Genetics/Laboratory Corporation of America, LabCorp
Classification: Uncertain significance. Last evaluated: 2024-03-11. Review status: criteria provided, single submitter. Criteria: LabCorp Variant Classification Summary - May 2015. Collection method: clinical testing. Allele origin: germline.
Comment: Variant summary: CREBBP c.6988C>G (p.Leu2330Val) results in a conservative amino acid change in the encoded protein sequence. Three of five in-silico tools predict a benign effect of the variant on protein function. The variant was absent in 251160 control chromosomes. The available data on variant occurrences in the general population are insufficient to allow any conclusion about variant significance. To our knowledge, no occurrence of c.6988C>G in individuals affected with Rubinstein-Taybi Syndrome and no experimental evidence demonstrating its impact on protein function have been reported. No submitters have cited clinical-significance assessments for this variant to ClinVar. Based on the evidence outlined above, the variant was classified as uncertain significance.